The following is an entry in ClinVar:

NM_001367624.2(ZNF469):c.383G>A (p.Arg128Lys)

Gene: ZNF469 (zinc finger protein 469; plus strand). Cytogenetic location: 16q24.2.
Variant type: single nucleotide variant.
Coding change: c.383G>A on transcript NM_001367624.2 (MANE Select); coding-DNA position 383, G replaced by A.
Protein change: p.Arg128Lys; replaces arginine 128 with lysine.
Molecular consequence: missense variant.
Genome position (GRCh38, 1-based): chr16:88,427,853, G>A. VCF-style: chr16-88427853-G-A. GRCh37 (hg19) VCF-style: chr16-88494261-G-A.
Other names: NM_001127464.1:c.383G>A; short protein forms R128K.
Identifiers: ClinVar variation 4867001 (VCV004867001.1).

ClinVar aggregate classification (germline): Uncertain significance (1 of 4 stars; one submission).

Conditions:
Cardiovascular phenotype. Identifiers: MedGen CN230736.

Submission:

Ambry Genetics
Classification: Uncertain significance for Cardiovascular phenotype. Last evaluated: 2026-04-23. Review status: criteria provided, single submitter. Criteria: Ambry Variant Classification Scheme 2023. Collection method: clinical testing. Allele origin: germline.
Comment: The p.R128K variant (also known as c.383G>A), located in coding exon 1 of the ZNF469 gene, results from a G to A substitution at nucleotide position 383. The arginine at codon 128 is replaced by lysine, an amino acid with highly similar properties. This amino acid position is conserved. In addition, this alteration is predicted to be tolerated by in silico analysis. Based on the available evidence, the clinical significance of this variant remains unclear.